The following is an entry in ClinVar:

ClinVar aggregate classification (germline): Pathogenic (1 of 4 stars; one submission).

Conditions:
Retinitis pigmentosa 25 (RP25). Identifiers: Orphanet 791, MedGen C1864446, MONDO:0011272, OMIM 602772.

Submission:

Myriad Genetics, Inc.
Classification: Pathogenic for Retinitis pigmentosa 25. Last evaluated: 2024-05-14. Review status: criteria provided, single submitter. Criteria: Myriad Autosomal Dominant, Autosomal Recessive and X-Linked Classification Criteria (2023). Collection method: clinical testing. Allele origin: unknown.
Comment: NM_001142800.1(EYS):c.6250C>T(Q2084*) is expected to be pathogenic in the context of retinitis pigmentosa, EYS-related. This variant is predicted to lead to an abnormal or absent protein product due to the creation of a premature termination codon in EYS, a gene where loss-of-function variants are known to be pathogenic. Please note: this variant was assessed in the context of healthy population screening.

NM_001142800.2(EYS):c.6250C>T (p.Gln2084Ter)

Gene: EYS (EGF-like photoreceptor maintenance factor; minus strand). Cytogenetic location: 6q12.
Variant type: single nucleotide variant.
Coding change: c.6250C>T on transcript NM_001142800.2 (MANE Select); coding-DNA position 6250, C replaced by T.
Protein change: p.Gln2084Ter; replaces glutamine 2084 with a stop codon.
Molecular consequence: nonsense.
Genome position (GRCh38, 1-based): chr6:64,230,766, G>A on the plus strand (C>T on the coding strand, the complement: EYS is on the minus strand). VCF-style: chr6-64230766-G-A. GRCh37 (hg19) VCF-style: chr6-64940659-G-A.
Other names: c.6250C>T, p.Gln2084Ter (NM_001292009.2); short protein forms Q2084*.
Identifiers: ClinVar variation 5010561 (VCV005010561.1).
Genomic context (GRCh38, chr6:64,230,766, plus strand): 5'-GGCACACAGAGGGTGCTGCAACAGAGGGGCTGACAGAAGTCCACATGGTATCAACCCCTT[G>A]TGTCACATCAGAAGCATCAACAAAGGAGGCTGTTGGAGACAGCATAAATCCCTGGGATCT-3'